The following is an entry in ClinVar:

ClinVar aggregate classification (germline): Uncertain significance (1 of 4 stars; one submission).

Submission:

GeneDx
Classification: Uncertain significance. Last evaluated: 2024-05-03. Review status: criteria provided, single submitter. Criteria: GeneDx Variant Classification Process June 2021. Collection method: clinical testing. Allele origin: germline. Affected: yes.
Comment: Not observed at significant frequency in large population cohorts (gnomAD); In silico analysis supports that this missense variant has a deleterious effect on protein structure/function; Has not been previously published as pathogenic or benign to our knowledge

NM_001320.7(CSNK2B):c.575T>G (p.Ile192Ser)

Gene: CSNK2B (casein kinase 2 beta; plus strand). Cytogenetic location: 6p21.33.
Variant type: single nucleotide variant.
Coding change: c.575T>G on transcript NM_001320.7 (MANE Select); coding-DNA position 575, T replaced by G.
Protein change: p.Ile192Ser; replaces isoleucine 192 with serine.
Molecular consequence: missense variant.
Genome position (GRCh38, 1-based): chr6:31,669,853, T>G. VCF-style: chr6-31669853-T-G. GRCh37 (hg19) VCF-style: chr6-31637630-T-G.
Other names: c.566T>G, p.Ile189Ser (NM_001282385.2); short protein forms I189S, I192S.
Identifiers: ClinVar variation 3376055 (VCV003376055.1).